The following is an entry in ClinVar:

ClinVar aggregate classification (germline): Uncertain significance. Review status: criteria provided, multiple submitters, no conflicts (2 of 4 stars). 2 submissions from 2 submitters: Uncertain significance (2). Last evaluated 2023-11-18.

Conditions:
Inborn genetic diseases. Identifiers: MedGen C0950123, MeSH D030342.

Allele frequency attached by ClinVar (database versions not stated): ExAC 0.00001; gnomAD 0.00001; gnomAD exomes 0.00001.
gnomAD v4.1: 6 of 1,614,084 alleles (0.00037%); highest among the groups gnomAD compares: Non-Finnish European, 0.00042%; no homozygotes.

Submissions (2):

Ambry Genetics
Classification: Uncertain significance for Inborn genetic diseases. Last evaluated: 2023-11-18. Review status: criteria provided, single submitter. Criteria: Ambry Variant Classification Scheme 2023. Collection method: clinical testing. Allele origin: germline.

Labcorp Genetics (formerly Invitae), Labcorp
Classification: Uncertain significance. Last evaluated: 2022-03-22. Review status: criteria provided, single submitter. Criteria: Invitae Variant Classification Sherloc (09022015). Collection method: clinical testing. Allele origin: germline.
Comment: Algorithms developed to predict the effect of missense changes on protein structure and function are either unavailable or do not agree on the potential impact of this missense change (SIFT: "Deleterious"; PolyPhen-2: "Benign"; Align-GVGD: "Class C25"). In summary, the available evidence is currently insufficient to determine the role of this variant in disease. Therefore, it has been classified as a Variant of Uncertain Significance. This variant has not been reported in the literature in individuals affected with PDE6C-related conditions. This variant is present in population databases (rs779065446, gnomAD 0.003%). This sequence change replaces proline, which is neutral and non-polar, with leucine, which is neutral and non-polar, at codon 108 of the PDE6C protein (p.Pro108Leu).

NM_006204.4(PDE6C):c.323C>T (p.Pro108Leu)

Gene: PDE6C (phosphodiesterase 6C; plus strand). Cytogenetic location: 10q23.33.
Variant type: single nucleotide variant.
Coding change: c.323C>T on transcript NM_006204.4 (MANE Select); coding-DNA position 323, C replaced by T.
Protein change: p.Pro108Leu; replaces proline 108 with leucine.
Molecular consequence: missense variant.
Genome position (GRCh38, 1-based): chr10:93,613,048, C>T. VCF-style: chr10-93613048-C-T. GRCh37 (hg19) VCF-style: chr10-95372805-C-T.
Other names: c.323C>T (NM_006204.3); short protein forms P108L.
Identifiers: ClinVar variation 1480449 (VCV001480449.7), dbSNP rs779065446, ClinGen allele CA5609815.
Genomic context (GRCh38, chr10:93,613,048, plus strand): 5'-CCCACCTGCTCCAGGCTGACCGCTGCAGCATGTTCCTGTGCCGGTCCCGGAACGGCATAC[C>T]TGAGGTGGCCTCTAGGTTGCTGGATGTCACCCCCACCTCCAAGTTTGAGGACAACCTGGT-3'
Protein context (NP_006195.3, residues 98-118): MFLCRSRNGI[Pro108Leu]EVASRLLDVT